The following is an entry in ClinVar:

NM_002474.3(MYH11):c.3651+5T>G

Gene: MYH11 (myosin heavy chain 11; minus strand). Cytogenetic location: 16p13.11.
Variant type: single nucleotide variant.
Coding change: c.3651+5T>G on transcript NM_002474.3 (MANE Select); 5 bases into the intron after coding-DNA position 3651, T replaced by G.
Molecular consequence: intron variant.
Genome position (GRCh38, 1-based): chr16:15,732,559, A>C on the plus strand (T>G on the coding strand, the complement: MYH11 is on the minus strand). VCF-style: chr16-15732559-A-C. GRCh37 (hg19) VCF-style: chr16-15826416-A-C.
Other names: c.3651+5T>G (NM_022844.3); c.3672+5T>G (NM_001040114.2, NM_001040113.2).
Identifiers: ClinVar variation 196019 (VCV000196019.48), dbSNP rs794727439, ClinGen allele CA242768.

ClinVar aggregate classification (germline): Conflicting classifications of pathogenicity. Review status: criteria provided, conflicting classifications (1 of 4 stars). 6 submissions from 6 submitters: Uncertain significance (4); Benign (1); Likely benign (1). Last evaluated 2026-08-01.

Conditions:
Familial thoracic aortic aneurysm and aortic dissection (TAAD). Also called: Thoracic aortic aneurysms and dissections. Identifiers: Orphanet 91387, MedGen C4707243, MONDO:0019625.
Aortic aneurysm, familial thoracic 4 (AAT4). Also called: AORTIC ANEURYSM/AORTIC DISSECTION AND PATENT DUCTUS ARTERIOSUS. Identifiers: MedGen C1851504, MONDO:0007568, OMIM 132900.

Allele frequency attached by ClinVar (database versions not stated): TOPMed 0.01221.

Submissions (6):

CeGaT Center for Human Genetics Tuebingen
Classification: Likely benign. Last evaluated: 2026-08-01. Review status: criteria provided, single submitter. Criteria: CeGaT Center For Human Genetics Tuebingen Variant Classification Criteria Version 2. Collection method: clinical testing. Allele origin: germline. Affected: yes. Observed: 6 variant alleles.
Comment: MYH11: BS2

Labcorp Genetics (formerly Invitae), Labcorp
Classification: Benign for Aortic aneurysm, familial thoracic 4. Last evaluated: 2026-02-03. Review status: criteria provided, single submitter. Criteria: Invitae Variant Classification Sherloc (09022015). Collection method: clinical testing. Allele origin: germline.

Women's Health and Genetics/Laboratory Corporation of America, LabCorp
Classification: Uncertain significance. Last evaluated: 2024-04-14. Review status: criteria provided, single submitter. Criteria: LabCorp Variant Classification Summary - May 2015. Collection method: clinical testing. Allele origin: germline.

CHEO Genetics Diagnostic Laboratory, Children's Hospital of Eastern Ontario
Classification: Uncertain significance for Familial thoracic aortic aneurysm and aortic dissection. Last evaluated: 2019-04-02. Review status: criteria provided, single submitter. Criteria: ACMG Guidelines, 2015. Collection method: clinical testing. Allele origin: germline.

Illumina Laboratory Services, Illumina
Classification: Uncertain significance for Aortic aneurysm, familial thoracic 4. Last evaluated: 2018-01-12. Review status: criteria provided, single submitter. Criteria: ICSL Variant Classification Criteria 13 December 2019. Collection method: clinical testing. Allele origin: germline.

Eurofins Ntd Llc (ga)
Classification: Uncertain significance. Last evaluated: 2015-02-17. Review status: criteria provided, single submitter. Criteria: EGL Classification Definitions 2015. Collection method: clinical testing. Allele origin: germline. Observed: 3 variant alleles, 3 heterozygotes.